The following is an entry in ClinVar:

ClinVar aggregate classification (germline): Uncertain significance (1 of 4 stars; one submission).

Allele frequency attached by ClinVar (database versions not stated): TOPMed below 0.00001; gnomAD 0.00001.
gnomAD v4.1: 1 of 1,210,095 alleles (0.000083%); highest among the groups gnomAD compares: Non-Finnish European, 0.00011%; no homozygotes.

Submission:

CeGaT Center for Human Genetics Tuebingen
Classification: Uncertain significance. Last evaluated: 2023-07-01. Review status: criteria provided, single submitter. Criteria: CeGaT Center For Human Genetics Tuebingen Variant Classification Criteria Version 2. Collection method: clinical testing. Allele origin: germline. Affected: yes. Observed: 1 variant allele.
Comment: UBA1: PM2

NM_003334.4(UBA1):c.3065T>C (p.Val1022Ala)

Gene: UBA1 (ubiquitin like modifier activating enzyme 1; plus strand). Cytogenetic location: Xp11.3.
Variant type: single nucleotide variant.
Coding change: c.3065T>C on transcript NM_003334.4 (MANE Select); coding-DNA position 3065, T replaced by C.
Protein change: p.Val1022Ala; replaces valine 1022 with alanine.
Molecular consequence: missense variant.
Genome position (GRCh38, 1-based): chrX:47,214,817, T>C. VCF-style: chrX-47214817-T-C. GRCh37 (hg19) VCF-style: chrX-47074216-T-C.
Other names: c.3065T>C, p.Val1022Ala (NM_153280.3); short protein forms V1022A.
Identifiers: ClinVar variation 2660410 (VCV002660410.24), dbSNP rs1937079748, ClinGen allele CA412812365.